The following is an entry in ClinVar:

NM_014991.6(WDFY3):c.7690G>T (p.Val2564Leu)

Gene: WDFY3 (WD repeat and FYVE domain containing 3; minus strand). Cytogenetic location: 4q21.23.
Variant type: single nucleotide variant.
Coding change: c.7690G>T on transcript NM_014991.6 (MANE Select); coding-DNA position 7690, G replaced by T.
Protein change: p.Val2564Leu; replaces valine 2564 with leucine.
Molecular consequence: missense variant.
Genome position (GRCh38, 1-based): chr4:84,718,486, C>A on the plus strand (G>T on the coding strand, the complement: WDFY3 is on the minus strand). VCF-style: chr4-84718486-C-A. GRCh37 (hg19) VCF-style: chr4-85639639-C-A.
Other names: short protein forms V2564L.
Identifiers: ClinVar variation 2663433 (VCV002663433.1), dbSNP rs2531527158, ClinGen allele CA357543994.

ClinVar aggregate classification (germline): Uncertain significance (1 of 4 stars; one submission).

Submission:

GeneDx
Classification: Uncertain significance. Last evaluated: 2023-05-05. Review status: criteria provided, single submitter. Criteria: GeneDx Variant Classification Process June 2021. Collection method: clinical testing. Allele origin: germline. Affected: yes.
Comment: Not observed at significant frequency in large population cohorts (gnomAD); In silico analysis supports that this missense variant has a deleterious effect on protein structure/function; Has not been previously published as pathogenic or benign to our knowledge